The following is an entry in ClinVar:

ClinVar aggregate classification (germline): Likely benign (1 of 4 stars; one submission).

Conditions:
Familial cancer of breast. Also called: Hereditary breast cancer; BREAST CANCER, FAMILIAL; hereditary breast carcinoma. Identifiers: Orphanet 227535, MedGen C0346153, MONDO:0016419, OMIM 114480. Disease mechanism: loss of function.

Submission:

Myriad Genetics, Inc.
Classification: Likely benign for Familial cancer of breast. Last evaluated: 2024-10-03. Review status: criteria provided, single submitter. Criteria: Myriad Autosomal Dominant, Autosomal Recessive and X-Linked Classification Criteria (2023). Collection method: clinical testing. Allele origin: unknown.
Comment: This variant is considered likely benign. This variant is intronic and is not expected to impact mRNA splicing.

NM_007194.4(CHEK2):c.908+8_908+10del

Gene: CHEK2 (checkpoint kinase 2; minus strand). Cytogenetic location: 22q12.1.
Variant type: Microsatellite.
Coding change: c.908+8_908+10del on transcript NM_007194.4 (MANE Select); bases 8 to 10 of the intron after coding-DNA position 908, 3 bases deleted (GTA; older notation c.908+8_908+10delGTA).
Molecular consequence: intron variant.
Genome position (GRCh38, 1-based): chr22:28,703,495-28,703,497, TAC deleted on the plus strand (GTA on the coding strand, the reverse complement: CHEK2 is on the minus strand); deleting any 3 consecutive bases within chr22:28,703,495-28,703,501 gives the same sequence; the c. name uses the placement nearest the transcript's 3' end. VCF-style (leftmost placement, unchanged base first): chr22-28703494-TTAC-T. GRCh37 (hg19) VCF-style: chr22-29099482-TTAC-T.
Other names: c.245+8_245+10del (NM_001437942.1, NM_001257387.3); c.707+8_707+10del (NM_001349956.3); c.908+8_908+10del (NM_145862.3); c.1001+8_1001+10del (NM_001438295.1, NM_001438293.1); c.1037+8_1037+10del (NM_001438294.1, NM_001005735.3).
Identifiers: ClinVar variation 3772916 (VCV003772916.1).